The following is an entry in ClinVar:

NM_013339.4(ALG6):c.350T>A (p.Leu117Ter)

Gene: ALG6 (ALG6 alpha-1,3-glucosyltransferase; plus strand). Cytogenetic location: 1p31.3.
Variant type: single nucleotide variant.
Coding change: c.350T>A on transcript NM_013339.4 (MANE Select); coding-DNA position 350, T replaced by A.
Protein change: p.Leu117Ter; replaces leucine 117 with a stop codon.
Molecular consequence: nonsense.
Genome position (GRCh38, 1-based): chr1:63,406,320, T>A. VCF-style: chr1-63406320-T-A. GRCh37 (hg19) VCF-style: chr1-63871991-T-A.
Other names: short protein forms L117*.
Identifiers: ClinVar variation 1726359 (VCV001726359.2), dbSNP rs2523734931, ClinGen allele CA340634467.

ClinVar aggregate classification (germline): Likely pathogenic (1 of 4 stars; one submission).

Conditions:
ALG6-congenital disorder of glycosylation 1C (CDG1C). Also called: CARBOHYDRATE-DEFICIENT GLYCOPROTEIN SYNDROME, TYPE I, WITH DEFICIENT GLYCOSYLATION OF DOLICHOL-LINKED OLIGOSACCHARIDE; CARBOHYDRATE-DEFICIENT GLYCOPROTEIN SYNDROME, TYPE V; Congenital disorder of glycosylation type 1C; CDG Ic; Congenital disorder of glycosylation, type Ic. Identifiers: Orphanet 79320, MedGen C2930997, MONDO:0011291, OMIM 603147.

Submission:

Myriad Genetics, Inc.
Classification: Likely pathogenic for ALG6-congenital disorder of glycosylation 1C. Last evaluated: 2021-12-16. Review status: criteria provided, single submitter. Criteria: Myriad Women's Health Autosomal Recessive and X-Linked Classification Criteria (2021). Collection method: clinical testing. Allele origin: unknown.
Comment: NM_013339.3(ALG6):c.350T>A(L117*) is expected to be pathogenic in the context of congenital disorder of glycosylation type Ic. This variant is predicted to lead to an abnormal or absent protein product due to the creation of a premature termination codon in ALG6, a gene where loss-of-function variants are known to be pathogenic. Please note: this variant was assessed in the context of healthy population screening.